The following is an entry in ClinVar:

ClinVar aggregate classification (germline): Benign. Review status: criteria provided, multiple submitters, no conflicts (2 of 4 stars). 3 submissions from 3 submitters: Benign (3). Last evaluated 2021-06-10.

Conditions:
Miyoshi muscular dystrophy 1 (MMD1). Identifiers: Orphanet 45448, MedGen C4551973, MONDO:0024545, OMIM 254130.

Allele frequency attached by ClinVar (database versions not stated): 1000 Genomes Project 0.91114; 1000 Genomes Project 30x 0.91615; gnomAD 0.95399 and 0.96005; TOPMed 0.95598; ESP Exome Variant Server 0.96386.
gnomAD v4.1: 1,397,227 of 1,475,142 alleles (95%); highest among the groups gnomAD compares: African/African-American, 99%; 663,091 homozygotes.

Submissions (3):

Genome-Nilou Lab
Classification: Benign for Miyoshi muscular dystrophy 1. Last evaluated: 2021-06-10. Review status: criteria provided, single submitter. Criteria: ACMG Guidelines, 2015. Collection method: clinical testing. Allele origin: germline. Affected: no.

GeneDx
Classification: Benign. Last evaluated: 2018-06-14. Review status: criteria provided, single submitter. Criteria: GeneDx Variant Classification (06012015). Collection method: clinical testing. Allele origin: germline. Affected: yes.
Comment: This variant is considered likely benign or benign based on one or more of the following criteria: it is a conservative change, it occurs at a poorly conserved position in the protein, it is predicted to be benign by multiple in silico algorithms, and/or has population frequency not consistent with disease.

Breakthrough Genomics
Classification: Benign. Review status: criteria provided, single submitter. Criteria: ACMG Guidelines, 2015. Collection method: not provided. Allele origin: germline. Inheritance: Autosomal recessive inheritance. Affected: yes.

NM_001130987.2(DYSF):c.3928-85G>T

Gene: DYSF (dysferlin; plus strand). Cytogenetic location: 2p13.2.
Variant type: single nucleotide variant.
Coding change: c.3928-85G>T on transcript NM_001130987.2 (MANE Select); 85 bases into the intron before coding-DNA position 3928, G replaced by T.
Molecular consequence: intron variant.
Genome position (GRCh38, 1-based): chr2:71,602,691, G>T. VCF-style: chr2-71602691-G-T. GRCh37 (hg19) VCF-style: chr2-71829821-G-T.
Other names: c.3967-85G>T (NM_001130979.2); c.3925-85G>T (NM_001130981.2, NM_001130980.2); c.3874-85G>T (NM_001130978.2, NM_003494.4); c.3832-85G>T (NM_001130977.2, NM_001130976.2); c.3970-85G>T (NM_001130982.2); c.3928-85G>T (NM_001130985.2); c.3877-85G>T (NM_001130983.2, NM_001130455.2); c.3835-85G>T (NM_001130984.2, NM_001130986.2).
Identifiers: ClinVar variation 679994 (VCV000679994.5), dbSNP rs1529408, ClinGen allele CA11301400.
Genomic context (GRCh38, chr2:71,602,691, plus strand): 5'-TTCTGTTGGCTCCTCTTAGTGGTGGCATCTGGCATGCTGACCTCTGGCCCCGCCTAGTGC[G>T]CCTTGATACTAATAGAGAACTTTTTCCCCTTCCAACCCCTCTCACCATCTCCTGGATGTG-3'